The following is an entry in ClinVar:

NM_194324.4(TMSB15B):c.130A>G (p.Thr44Ala)

Gene: TMSB15B (thymosin beta 15B; plus strand). Cytogenetic location: Xq22.2.
Variant type: single nucleotide variant.
Coding change: c.130A>G on transcript NM_194324.4 (MANE Select); coding-DNA position 130, A replaced by G.
Protein change: p.Thr44Ala; replaces threonine 44 with alanine.
Molecular consequence: missense variant. On other transcripts: intron variant (1).
Genome position (GRCh38, 1-based): chrX:103,965,568, A>G. VCF-style: chrX-103965568-A-G. GRCh37 (hg19) VCF-style: chrX-103220141-A-G.
Other names: c.130A>G, p.Thr44Ala (NM_001350211.2, NM_001350212.2); c.100+946A>G (NM_001350213.2); short protein forms T44A.
Identifiers: ClinVar variation 4830598 (VCV004830598.1).
Genomic context (GRCh38, chrX:103,965,568, plus strand): 5'-CTTTTGTAATTTTTGGTTTCTTTTTCCCCAGCTATCCAGCAGGAGAAAGAGTGTGTTCAA[A>G]CATCATAAAATGGGGATCTCCTCCAAAGAGCAGATTTCAGCATTGCCTGACAGTCTTGGT-3'
Protein context (NP_919305.2, residues 34-45): TIQQEKECVQ[Thr44Ala]S

ClinVar aggregate classification (germline): Uncertain significance (1 of 4 stars; one submission).

Submission:

Ambry Genetics
Classification: Uncertain significance. Last evaluated: 2026-01-25. Review status: criteria provided, single submitter. Criteria: Ambry Variant Classification Scheme 2023. Collection method: clinical testing. Allele origin: germline.
Comment: The c.130A>G (p.T44A) alteration is located in exon 3 (coding exon 2) of the TMSB15B gene. This alteration results from a A to G substitution at nucleotide position 130, causing the threonine (T) at amino acid position 44 to be replaced by an alanine (A). Based on data from gnomAD, the G allele has an overall frequency of 0.001% (2/180480) total alleles studied. The highest observed frequency was 0.003% (2/81036) of European (non-Finnish) alleles. Based on insufficient or conflicting evidence, the clinical significance of this alteration remains unclear.